The following is an entry in ClinVar:

NM_016203.4(PRKAG2):c.1659C>T (p.Ala553=)

Gene: PRKAG2 (protein kinase AMP-activated non-catalytic subunit gamma 2; minus strand). Cytogenetic location: 7q36.1.
Variant type: single nucleotide variant.
Coding change: c.1659C>T on transcript NM_016203.4 (MANE Select); coding-DNA position 1659, C replaced by T.
Protein change: p.Ala553=; no amino-acid change (alanine 553 retained).
Molecular consequence: synonymous variant.
Genome position (GRCh38, 1-based): chr7:151,560,543, G>A on the plus strand (C>T on the coding strand, the complement: PRKAG2 is on the minus strand). VCF-style: chr7-151560543-G-A. GRCh37 (hg19) VCF-style: chr7-151257629-G-A.
Other names: c.1527C>T, p.Ala509= (NM_001040633.2); c.1284C>T, p.Ala428= (NM_001304527.2); c.936C>T, p.Ala312= (NM_001304531.2, NM_024429.2); c.1287C>T, p.Ala429= (NM_001363698.2).
Identifiers: ClinVar variation 512760 (VCV000512760.21), dbSNP rs374476363, ClinGen allele CA055710.

ClinVar aggregate classification (germline): Likely benign. Review status: criteria provided, multiple submitters, no conflicts (2 of 4 stars). 8 submissions from 8 submitters: Likely benign (5). 3 of the submissions do not count toward it. Last evaluated 2026-01-27.

Conditions:
Cardiovascular phenotype. Identifiers: MedGen CN230736.
Lethal congenital glycogen storage disease of heart. Also called: PHOSPHORYLASE KINASE DEFICIENCY OF HEART; GLYCOGEN STORAGE DISEASE OF HEART. Identifiers: Orphanet 439854, MedGen C1849813, MONDO:0009867, OMIM 261740.
Cardiomyopathy (CMYO). Also called: Cardiomyopathies. Identifiers: Orphanet 167848, MedGen C0878544, MONDO:0004994, HP:0001638. Inheritance: Various modes of inheritance.
Hypertrophic cardiomyopathy. Also called: HYPERTROPHIC MYOCARDIOPATHY. Identifiers: Orphanet 217569, MedGen C0007194, MeSH D002312, MONDO:0005045, HP:0001639.

Allele frequency attached by ClinVar (database versions not stated): gnomAD exomes 0.00002 and 0.00005; TOPMed 0.00003; gnomAD 0.00004 and 0.00005; ExAC 0.00005; ESP Exome Variant Server 0.00015.
gnomAD v4.1: 80 of 1,613,956 alleles (0.005%); highest among the groups gnomAD compares: Non-Finnish European, 0.0064%; no homozygotes.

Submissions (8):

Labcorp Genetics (formerly Invitae), Labcorp
Classification: Likely benign for Lethal congenital glycogen storage disease of heart. Last evaluated: 2026-01-27. Review status: criteria provided, single submitter. Criteria: Invitae Variant Classification Sherloc (09022015). Collection method: clinical testing. Allele origin: germline.

All of Us Research Program, National Institutes of Health
Classification: Likely benign for Hypertrophic cardiomyopathy. Last evaluated: 2024-02-05. Review status: criteria provided, single submitter. Criteria: ACMG Guidelines, 2015. Collection method: clinical testing. Allele origin: germline. Inheritance: Autosomal dominant inheritance. Observed: 5 variant alleles, 5 heterozygotes.
Comment: This study involves interpretation of variants in research participants for the purpose of population health screening. Participant phenotype was not available at the time of variant classification. Additional details can be found in publication PMID: 35346344, PMCID: PMC8962531

GeneDx
Classification: Likely benign. Last evaluated: 2021-05-03. Review status: criteria provided, single submitter. Criteria: GeneDx Variant Classification Process June 2021. Collection method: clinical testing. Allele origin: germline. Affected: yes.

Ambry Genetics
Classification: Likely benign for Cardiovascular phenotype. Last evaluated: 2019-05-13. Review status: criteria provided, single submitter. Criteria: Ambry Variant Classification Scheme 2023. Collection method: clinical testing. Allele origin: germline.

Color Diagnostics, LLC DBA Color Health
Classification: Likely benign for Cardiomyopathy. Last evaluated: 2018-10-30. Review status: criteria provided, single submitter. Criteria: ACMG Guidelines, 2015. Collection method: clinical testing. Allele origin: germline.

Clinical Genetics, Academic Medical Center
Classification: Benign. Review status: no assertion criteria provided. Collection method: clinical testing. Allele origin: germline. Affected: yes. Study: VKGL Data-share Consensus. Not counted in ClinVar's aggregate classification.

Diagnostic Laboratory, Department of Genetics, University Medical Center Groningen
Classification: Likely benign. Review status: no assertion criteria provided. Collection method: clinical testing. Allele origin: germline. Affected: yes. Study: VKGL Data-share Consensus. Not counted in ClinVar's aggregate classification.

Genome Diagnostics Laboratory, University Medical Center Utrecht
Classification: Likely benign. Review status: no assertion criteria provided. Collection method: clinical testing. Allele origin: germline. Affected: yes. Study: VKGL Data-share Consensus. Not counted in ClinVar's aggregate classification.